The following is an entry in ClinVar:

NM_000642.3(AGL):c.3653G>A (p.Arg1218Gln)

Gene: AGL (amylo-alpha-1,6-glucosidase and 4-alpha-glucanotransferase; plus strand). Cytogenetic location: 1p21.2.
Variant type: single nucleotide variant.
Coding change: c.3653G>A on transcript NM_000642.3 (MANE Select); coding-DNA position 3653, G replaced by A.
Protein change: p.Arg1218Gln; replaces arginine 1218 with glutamine.
Molecular consequence: missense variant.
Genome position (GRCh38, 1-based): chr1:99,902,747, G>A. VCF-style: chr1-99902747-G-A. GRCh37 (hg19) VCF-style: chr1-100368303-G-A.
Other names: c.3653G>A, p.Arg1218Gln (NM_000028.3, NM_000643.3, NM_000644.3 and 1 more transcripts); c.3605G>A, p.Arg1202Gln (NM_000646.3); c.3632G>A, p.Arg1211Gln (NM_001425326.1); c.3452G>A, p.Arg1151Gln (NM_001425327.1); c.3449G>A, p.Arg1150Gln (NM_001425328.1); c.3314G>A, p.Arg1105Gln (NM_001425329.1); c.3275G>A, p.Arg1092Gln (NM_001425332.1); short protein forms R1218Q, R1202Q, R1092Q, R1105Q, R1150Q, R1151Q, R1211Q.
Identifiers: ClinVar variation 574650 (VCV000574650.15), dbSNP rs772774189, ClinGen allele CA967166.

ClinVar aggregate classification (germline): Uncertain significance. Review status: criteria provided, multiple submitters, no conflicts (2 of 4 stars). 5 submissions from 5 submitters: Uncertain significance (4). 1 of the submissions does not count toward it. Last evaluated 2025-07-31.

Conditions:
Inborn genetic diseases. Identifiers: MedGen C0950123, MeSH D030342.
Glycogen storage disease type III (GSD3). Also called: Cori disease; FORBES DISEASE. Identifiers: Orphanet 366, MedGen C0017922, MONDO:0009291, OMIM 232400.

Allele frequency attached by ClinVar (database versions not stated): ExAC 0.00002; gnomAD exomes 0.00002.
gnomAD v4.1: 31 of 1,613,526 alleles (0.0019%); highest among the groups gnomAD compares: South Asian, 0.011%; no homozygotes.

Submissions (5):

Ambry Genetics
Classification: Uncertain significance for Inborn genetic diseases. Last evaluated: 2025-07-31. Review status: criteria provided, single submitter. Criteria: Ambry Variant Classification Scheme 2023. Collection method: clinical testing. Allele origin: germline.

Labcorp Genetics (formerly Invitae), Labcorp
Classification: Uncertain significance for Glycogen storage disease type III. Last evaluated: 2022-07-19. Review status: criteria provided, single submitter. Criteria: Invitae Variant Classification Sherloc (09022015). Collection method: clinical testing. Allele origin: germline.
Comment: This sequence change replaces arginine, which is basic and polar, with glutamine, which is neutral and polar, at codon 1218 of the AGL protein (p.Arg1218Gln). This variant is present in population databases (rs772774189, gnomAD 0.01%). This variant has not been reported in the literature in individuals affected with AGL-related conditions. ClinVar contains an entry for this variant (Variation ID: 574650). Algorithms developed to predict the effect of missense changes on protein structure and function output the following: SIFT: "Deleterious"; PolyPhen-2: "Benign"; Align-GVGD: "Class C35". The glutamine amino acid residue is found in multiple mammalian species, which suggests that this missense change does not adversely affect protein function. In summary, the available evidence is currently insufficient to determine the role of this variant in disease. Therefore, it has been classified as a Variant of Uncertain Significance.

Genome-Nilou Lab
Classification: Uncertain significance for Glycogen storage disease type III. Last evaluated: 2021-07-15. Review status: criteria provided, single submitter. Criteria: ACMG Guidelines, 2015. Collection method: clinical testing. Allele origin: germline. Affected: no.

GeneDx
Classification: Uncertain significance. Last evaluated: 2020-04-14. Review status: criteria provided, single submitter. Criteria: GeneDx Variant Classification Process June 2021. Collection method: clinical testing. Allele origin: germline. Affected: yes.
Comment: Has not been previously published as pathogenic or benign to our knowledge; Not observed at a significant frequency in large population cohorts (Lek et al., 2016); In silico analysis supports that this missense variant has a deleterious effect on protein structure/function

Natera, Inc.
Classification: Uncertain significance for Glycogen storage disease type III. Last evaluated: 2019-10-28. Review status: no assertion criteria provided. Collection method: clinical testing. Allele origin: germline. Not counted in ClinVar's aggregate classification.